The following is an entry in ClinVar:

NM_021116.4(ADCY1):c.2133G>A (p.Ser711=)

Gene: ADCY1 (adenylate cyclase 1; plus strand). Cytogenetic location: 7p12.3.
Variant type: single nucleotide variant.
Coding change: c.2133G>A on transcript NM_021116.4 (MANE Select); coding-DNA position 2133, G replaced by A.
Protein change: p.Ser711=; no amino-acid change (serine 711 retained).
Molecular consequence: synonymous variant.
Genome position (GRCh38, 1-based): chr7:45,686,021, G>A. VCF-style: chr7-45686021-G-A. GRCh37 (hg19) VCF-style: chr7-45725620-G-A.
Identifiers: ClinVar variation 517562 (VCV000517562.8), dbSNP rs149908239, ClinGen allele CA4249157.

ClinVar aggregate classification (germline): Likely benign. Review status: criteria provided, multiple submitters, no conflicts (2 of 4 stars). 3 submissions from 3 submitters: Likely benign (3). Last evaluated 2026-02-13.

Conditions:
ADCY1-related disorder. Also called: ADCY1-related condition.

Allele frequency attached by ClinVar (database versions not stated): gnomAD 0.00006; gnomAD exomes 0.00006; ExAC 0.00007; TOPMed 0.00013; 1000 Genomes Project 30x 0.00016; 1000 Genomes Project 0.00020; ESP Exome Variant Server 0.00023.
gnomAD v4.1: 71 of 1,614,006 alleles (0.0044%); highest among the groups gnomAD compares: Middle Eastern, 0.049%; no homozygotes.

Submissions (3):

PreventionGenetics, part of Exact Sciences
Classification: Likely benign for ADCY1-related condition. Last evaluated: 2026-02-13. Review status: criteria provided, single submitter. Criteria: ACMG Guidelines, 2015. Collection method: clinical testing. Allele origin: germline.
Comment: This variant is classified as likely benign based on ACMG/AMP sequence variant interpretation guidelines (Richards et al. 2015 PMID: 25741868, with internal and published modifications).

Labcorp Genetics (formerly Invitae), Labcorp
Classification: Likely benign. Last evaluated: 2023-12-01. Review status: criteria provided, single submitter. Criteria: Invitae Variant Classification Sherloc (09022015). Collection method: clinical testing. Allele origin: germline.

Laboratory for Molecular Medicine, Mass General Brigham Personalized Medicine
Classification: Likely benign. Last evaluated: 2017-08-23. Review status: criteria provided, single submitter. Criteria: LMM Criteria. Collection method: clinical testing. Allele origin: germline. Observed: 1 variant allele.
Comment: p.Ser711Ser in exon 13 of ADCY1: This variant is not expected to have clinical s ignificance because it does not alter an amino acid residue and is not located w ithin the splice consensus sequence. It has been identified in 0.03% (3/10346) o f African chromosomes by the Exome Aggregation Consortium (ExAC; dbSNP rs149908239).